The following is an entry in ClinVar:

ClinVar aggregate classification (germline): Uncertain significance (1 of 4 stars; one submission).

gnomAD v4.1: 3 of 1,613,696 alleles (0.00019%); highest among the groups gnomAD compares: South Asian, 0.0011%; no homozygotes.

Submission:

Labcorp Genetics (formerly Invitae), Labcorp
Classification: Uncertain significance. Last evaluated: 2024-03-26. Review status: criteria provided, single submitter. Criteria: Invitae Variant Classification Sherloc (09022015). Collection method: clinical testing. Allele origin: germline.
Comment: This sequence change replaces isoleucine, which is neutral and non-polar, with valine, which is neutral and non-polar, at codon 539 of the MYO7A protein (p.Ile539Val). This variant is not present in population databases (gnomAD no frequency). This variant has not been reported in the literature in individuals affected with MYO7A-related conditions. Advanced modeling of protein sequence and biophysical properties (such as structural, functional, and spatial information, amino acid conservation, physicochemical variation, residue mobility, and thermodynamic stability) performed at Invitae indicates that this missense variant is not expected to disrupt MYO7A protein function with a negative predictive value of 95%. In summary, the available evidence is currently insufficient to determine the role of this variant in disease. Therefore, it has been classified as a Variant of Uncertain Significance.

NM_000260.4(MYO7A):c.1615A>G (p.Ile539Val)

Gene: MYO7A (myosin VIIA; plus strand). Cytogenetic location: 11q13.5.
Variant type: single nucleotide variant.
Coding change: c.1615A>G on transcript NM_000260.4 (MANE Select); coding-DNA position 1615, A replaced by G.
Protein change: p.Ile539Val; replaces isoleucine 539 with valine.
Molecular consequence: missense variant.
Genome position (GRCh38, 1-based): chr11:77,162,913, A>G. VCF-style: chr11-77162913-A-G. GRCh37 (hg19) VCF-style: chr11-76873959-A-G.
Other names: c.1615A>G, p.Ile539Val (NM_001127180.2); c.1582A>G, p.Ile528Val (NM_001369365.1); short protein forms I528V, I539V.
Identifiers: ClinVar variation 3617167 (VCV003617167.2).